The following is an entry in ClinVar:

ClinVar aggregate classification (germline): Uncertain significance (1 of 4 stars; one submission).

Allele frequency attached by ClinVar (database versions not stated): gnomAD exomes below 0.00001; TOPMed 0.00001.
gnomAD v4.1: 7 of 1,608,180 alleles (0.00044%); highest among the groups gnomAD compares: Non-Finnish European, 0.00051%; no homozygotes.

Submission:

Labcorp Genetics (formerly Invitae), Labcorp
Classification: Uncertain significance. Last evaluated: 2022-03-20. Review status: criteria provided, single submitter. Criteria: Invitae Variant Classification Sherloc (09022015). Collection method: clinical testing. Allele origin: germline.
Comment: This sequence change replaces threonine, which is neutral and polar, with isoleucine, which is neutral and non-polar, at codon 379 of the TBCK protein (p.Thr379Ile). This variant is not present in population databases (gnomAD no frequency). This variant has not been reported in the literature in individuals affected with TBCK-related conditions. Algorithms developed to predict the effect of missense changes on protein structure and function are either unavailable or do not agree on the potential impact of this missense change (SIFT: "Tolerated"; PolyPhen-2: "Possibly Damaging"; Align-GVGD: "Class C0"). In summary, the available evidence is currently insufficient to determine the role of this variant in disease. Therefore, it has been classified as a Variant of Uncertain Significance.

NM_001163435.3(TBCK):c.1136C>T (p.Thr379Ile)

Gene: TBCK (TBC1 domain containing kinase; minus strand). Cytogenetic location: 4q24.
Variant type: single nucleotide variant.
Coding change: c.1136C>T on transcript NM_001163435.3 (MANE Select); coding-DNA position 1136, C replaced by T.
Protein change: p.Thr379Ile; replaces threonine 379 with isoleucine.
Molecular consequence: missense variant.
Genome position (GRCh38, 1-based): chr4:106,242,504, G>A on the plus strand (C>T on the coding strand, the complement: TBCK is on the minus strand). VCF-style: chr4-106242504-G-A. GRCh37 (hg19) VCF-style: chr4-107163661-G-A.
Other names: c.1136C>T, p.Thr379Ile (NM_001163436.4); c.1019C>T, p.Thr340Ile (NM_001163437.3); c.620C>T, p.Thr207Ile (NM_001290768.2); c.947C>T, p.Thr316Ile (NM_033115.5); short protein forms T379I, T316I, T207I, T340I.
Identifiers: ClinVar variation 1964667 (VCV001964667.2), dbSNP rs1445824440, ClinGen allele CA357823603.